The following is an entry in ClinVar:

NM_000064.4(C3):c.2852G>A (p.Arg951His)

Gene: C3 (complement C3; minus strand). Cytogenetic location: 19p13.3.
Variant type: single nucleotide variant.
Coding change: c.2852G>A on transcript NM_000064.4 (MANE Select); coding-DNA position 2852, G replaced by A.
Protein change: p.Arg951His; replaces arginine 951 with histidine.
Molecular consequence: missense variant.
Genome position (GRCh38, 1-based): chr19:6,696,604, C>T on the plus strand (G>A on the coding strand, the complement: C3 is on the minus strand). VCF-style: chr19-6696604-C-T. GRCh37 (hg19) VCF-style: chr19-6696615-C-T.
Other names: short protein forms R951H.
Identifiers: ClinVar variation 3584122 (VCV003584122.2).

ClinVar aggregate classification (germline): Uncertain significance. Review status: criteria provided, multiple submitters, no conflicts (2 of 4 stars). 2 submissions from 2 submitters: Uncertain significance (2). Last evaluated 2025-09-30.

Conditions:
Atypical hemolytic-uremic syndrome. Identifiers: Orphanet 2134, MedGen C2931788, MONDO:0016244.
Atypical hemolytic-uremic syndrome with C3 anomaly. Also called: AHUS, SUSCEPTIBILITY TO, 5. Identifiers: Orphanet 2134, MedGen C2752037, MONDO:0013043, OMIM 612925.
Age related macular degeneration 9. Identifiers: MedGen C1969651, MONDO:0012659, OMIM 611378.
Complement component 3 deficiency. Identifiers: Orphanet 280133, MedGen C3151071, MONDO:0013417, OMIM 613779.

Submissions (2):

Genomenon, Inc
Classification: Uncertain significance for Atypical hemolytic-uremic syndrome. Last evaluated: 2025-09-30. Review status: criteria provided, single submitter. Criteria: Genomenon Sequence Variant Interpretation Standards. Collection method: curation. Allele origin: germline. Affected: yes.
Comment: C3 p.Arg951His (c.2852G>A) is a missense variant that changes the amino acid at residue 951 from Arginine to Histidine. This variant has been observed in at least one proband affected with atypical hemolytic-uremic syndrome (PMID:26826462). It is absent or not present at a significant frequency in gnomAD. In silico models agree that this variant is not damaging. In conclusion, we classify C3 p.Arg951His (c.2852G>A) as a variant of unknown significance.

Fulgent Genetics
Classification: Uncertain significance for Age related macular degeneration 9; Atypical hemolytic-uremic syndrome with C3 anomaly; Complement component 3 deficiency. Last evaluated: 2023-12-30. Review status: criteria provided, single submitter. Criteria: ACMG Guidelines, 2015. Collection method: clinical testing. Allele origin: germline.

Literature cited by the submitters: PubMed 26826462 (cited by Genomenon, Inc).